The following is an entry in ClinVar:

ClinVar aggregate classification (germline): Likely benign (1 of 4 stars; one submission).

Allele frequency attached by ClinVar (database versions not stated): ESP Exome Variant Server 0.00008; TOPMed 0.00016; ExAC 0.00017; gnomAD 0.00018; 1000 Genomes Project 0.00020; 1000 Genomes Project 30x 0.00031; gnomAD exomes 0.00038.

Submission:

CeGaT Center for Human Genetics Tuebingen
Classification: Likely benign. Last evaluated: 2023-09-01. Review status: criteria provided, single submitter. Criteria: CeGaT Center For Human Genetics Tuebingen Variant Classification Criteria Version 2. Collection method: clinical testing. Allele origin: germline. Affected: yes. Observed: 1 variant allele.
Comment: NTNG1: BP4, BP7

NM_001113226.3(NTNG1):c.841T>C (p.Leu281=)

Gene: NTNG1 (netrin G1; plus strand). Cytogenetic location: 1p13.3.
Variant type: single nucleotide variant.
Coding change: c.841T>C on transcript NM_001113226.3 (MANE Select); coding-DNA position 841, T replaced by C.
Protein change: p.Leu281=; no amino-acid change (leucine 281 retained).
Molecular consequence: synonymous variant.
Genome position (GRCh38, 1-based): chr1:107,324,876, T>C. VCF-style: chr1-107324876-T-C. GRCh37 (hg19) VCF-style: chr1-107867498-T-C.
Other names: c.841T>C, p.Leu281= (NM_001113228.3, NM_001312688.2, NM_001330665.2 and 7 more transcripts).
Identifiers: ClinVar variation 2638960 (VCV002638960.24), dbSNP rs146931709, ClinGen allele CA977602.